The following is an entry in ClinVar:

ClinVar aggregate classification (germline): Uncertain significance (1 of 4 stars; one submission).

Conditions:
PKD1-related disorder. Also called: PKD1-related condition.

Submission:

PreventionGenetics, part of Exact Sciences
Classification: Uncertain significance for PKD1-related condition. Last evaluated: 2026-07-15. Review status: criteria provided, single submitter. Criteria: ACMG Guidelines, 2015. Collection method: clinical testing. Allele origin: germline.
Comment: The PKD1 c.3137_3154del18 variant is predicted to result in an in-frame deletion (p.Asp1046_Val1051del). This variant was reported in an individual with polycystic kidney disease (Table S3, Carrera et al. 2016. PubMed ID: 27499327). This variant has not been reported in a large population database (gnomAD), indicating this variant is rare. At this time, the clinical significance of this variant is uncertain due to the absence of conclusive functional and genetic evidence.

NM_001009944.3(PKD1):c.3137_3154del (p.Asp1046_Val1051del)

Gene: PKD1 (polycystin 1, transient receptor potential channel interacting; minus strand). Cytogenetic location: 16p13.3.
Variant type: Deletion.
Coding change: c.3137_3154del on transcript NM_001009944.3 (MANE Select); coding-DNA positions 3137 to 3154, 18 bases deleted (ACTCGGCCGTGGAGGTGG).
Protein change: p.Asp1046_Val1051del.
Molecular consequence: inframe deletion. On other transcripts: inframe indel (1).
Genome position (GRCh38, 1-based): chr16:2,112,795-2,112,812, CCACCTCCACGGCCGAGT deleted on the plus strand (ACTCGGCCGTGGAGGTGG on the coding strand, the reverse complement: PKD1 is on the minus strand); deleting any 18 consecutive bases within chr16:2,112,795-2,112,817 gives the same sequence; the c. name uses the placement nearest the transcript's 3' end. VCF-style (leftmost placement, unchanged base first): chr16-2112794-GCCACCTCCACGGCCGAGT-G. GRCh37 (hg19) VCF-style: chr16-2162795-GCCACCTCCACGGCCGAGT-G.
Other names: c.3137_3154del18 (NM_001009944.2); c.3137_3154del, p.Asp1046_Val1051del (NM_000296.4).
Identifiers: ClinVar variation 4994686 (VCV004994686.1).
Genomic context (GRCh38, chr16:2,112,794, plus strand): 5'-GGGGCTGGGACAAGAGCCTGGTGCCCACCCCAAACCGGCCCCCGAGTCACTCACAGGAAG[GCCACCTCCACGGCCGAGT>G]CCACCAGCACGCCCGCCGTCAGTGCTAGCGTGGCATTGGGGGACAGCACGGCCGGCACTG-3'